The following is an entry in ClinVar:

NM_002878.4(RAD51D):c.503A>C (p.Gln168Pro)

Genes: RAD51L3-RFFL (RAD51L3-RFFL readthrough; minus strand), RAD51D (RAD51 paralog D; minus strand). Cytogenetic location: 17q12.
Variant type: single nucleotide variant.
Coding change: c.503A>C on transcript NM_002878.4 (MANE Select); coding-DNA position 503, A replaced by C.
Protein change: p.Gln168Pro; replaces glutamine 168 with proline.
Molecular consequence: missense variant. On other transcripts: non-coding transcript variant (3).
Genome position (GRCh38, 1-based): chr17:35,106,459, T>G on the plus strand (A>C on the coding strand, the complement: RAD51D is on the minus strand). VCF-style: chr17-35106459-T-G. GRCh37 (hg19) VCF-style: chr17-33433478-T-G.
Other names: c.563A>C, p.Gln188Pro (NM_001142571.2); c.167A>C, p.Gln56Pro (NM_133629.3); short protein forms Q56P, Q168P, Q188P.
Identifiers: ClinVar variation 825390 (VCV000825390.10), dbSNP rs1597861822, ClinGen allele CA399088955.

ClinVar aggregate classification (germline): Uncertain significance. Review status: criteria provided, multiple submitters, no conflicts (2 of 4 stars). 2 submissions from 2 submitters: Uncertain significance (2). Last evaluated 2022-08-22.

Conditions:
Hereditary cancer-predisposing syndrome. Also called: Neoplastic Syndromes, Hereditary; Tumor predisposition; Hereditary neoplastic syndrome; Hereditary Cancer Syndrome. Identifiers: Orphanet 140162, MedGen C0027672, MeSH D009386, MONDO:0015356.
Breast-ovarian cancer, familial, susceptibility to, 4. Identifiers: Orphanet 145, MedGen C3280345, MONDO:0013669, OMIM 614291.

Submissions (2):

Labcorp Genetics (formerly Invitae), Labcorp
Classification: Uncertain significance for Breast-ovarian cancer, familial, susceptibility to, 4. Last evaluated: 2022-08-22. Review status: criteria provided, single submitter. Criteria: Invitae Variant Classification Sherloc (09022015). Collection method: clinical testing. Allele origin: germline.
Comment: In summary, the available evidence is currently insufficient to determine the role of this variant in disease. Therefore, it has been classified as a Variant of Uncertain Significance. Algorithms developed to predict the effect of missense changes on protein structure and function are either unavailable or do not agree on the potential impact of this missense change (SIFT: "Tolerated"; PolyPhen-2: "Possibly Damaging"; Align-GVGD: "Class C0"). ClinVar contains an entry for this variant (Variation ID: 825390). This variant has not been reported in the literature in individuals affected with RAD51D-related conditions. This variant is not present in population databases (gnomAD no frequency). This sequence change replaces glutamine, which is neutral and polar, with proline, which is neutral and non-polar, at codon 168 of the RAD51D protein (p.Gln168Pro).

Ambry Genetics
Classification: Uncertain significance for Hereditary cancer-predisposing syndrome. Last evaluated: 2019-07-23. Review status: criteria provided, single submitter. Criteria: Ambry Variant Classification Scheme 2023. Collection method: clinical testing. Allele origin: germline.
Comment: The p.Q168P variant (also known as c.503A>C), located in coding exon 6 of the RAD51D gene, results from an A to C substitution at nucleotide position 503. The glutamine at codon 168 is replaced by proline, an amino acid with similar properties. This amino acid position is well conserved in available vertebrate species. In addition, this alteration is predicted to be deleterious by in silico analysis. Since supporting evidence is limited at this time, the clinical significance of this alteration remains unclear.